The following is an entry in ClinVar:

NM_006231.4(POLE):c.3323A>C (p.His1108Pro)

Gene: POLE (DNA polymerase epsilon, catalytic subunit; minus strand). Cytogenetic location: 12q24.33.
Variant type: single nucleotide variant.
Coding change: c.3323A>C on transcript NM_006231.4 (MANE Select); coding-DNA position 3323, A replaced by C.
Protein change: p.His1108Pro; replaces histidine 1108 with proline.
Molecular consequence: missense variant.
Genome position (GRCh38, 1-based): chr12:132,657,923, T>G on the plus strand (A>C on the coding strand, the complement: POLE is on the minus strand). VCF-style: chr12-132657923-T-G. GRCh37 (hg19) VCF-style: chr12-133234509-T-G.
Other names: short protein forms H1108P.
Identifiers: ClinVar variation 3308389 (VCV003308389.1).

ClinVar aggregate classification (germline): Uncertain significance (1 of 4 stars; one submission).

Conditions:
Hereditary cancer-predisposing syndrome. Also called: Neoplastic Syndromes, Hereditary; Tumor predisposition; Hereditary neoplastic syndrome; Hereditary Cancer Syndrome. Identifiers: Orphanet 140162, MedGen C0027672, MeSH D009386, MONDO:0015356.

Submission:

Ambry Genetics
Classification: Uncertain significance for Hereditary cancer-predisposing syndrome. Last evaluated: 2024-04-25. Review status: criteria provided, single submitter. Criteria: Ambry Variant Classification Scheme 2023. Collection method: clinical testing. Allele origin: germline.
Comment: The p.H1108P variant (also known as c.3323A>C), located in coding exon 27 of the POLE gene, results from an A to C substitution at nucleotide position 3323. The histidine at codon 1108 is replaced by proline, an amino acid with similar properties. This amino acid position is conserved. In addition, the in silico prediction for this alteration is inconclusive. Based on the available evidence, the clinical significance of this variant remains unclear.